The following is an entry in ClinVar:

NM_170707.4(LMNA):c.1985G>A (p.Ser662Asn)

Gene: LMNA (lamin A/C; plus strand). Cytogenetic location: 1q22.
Variant type: single nucleotide variant.
Coding change: c.1985G>A on transcript NM_170707.4 (MANE Select); coding-DNA position 1985, G replaced by A.
Protein change: p.Ser662Asn; replaces serine 662 with asparagine.
Molecular consequence: missense variant.
Genome position (GRCh38, 1-based): chr1:156,139,096, G>A. VCF-style: chr1-156139096-G-A. GRCh37 (hg19) VCF-style: chr1-156108887-G-A.
Other names: c.1649G>A, p.Ser550Asn (NM_001257374.3, NM_001406989.1); c.1835G>A, p.Ser612Asn (NM_001282626.2); c.1985G>A, p.Ser662Asn (NM_001406983.1, NM_001406985.1, NM_001406991.1); c.1742G>A, p.Ser581Asn (NM_001406986.1, NM_001406987.1); c.1688G>A, p.Ser563Asn (NM_001406988.1); c.1427G>A, p.Ser476Asn (NM_001406990.1, NM_001406993.1, NM_001406995.1 and 2 more transcripts); c.1361G>A, p.Ser454Asn (NM_001406994.1, NM_001406999.1, NM_001407000.1 and 1 more transcripts); c.1895G>A, p.Ser632Asn (NM_170708.4); short protein forms S476N, S632N, S550N, S662N, S563N, S581N, S454N, S612N.
Identifiers: ClinVar variation 2132281 (VCV002132281.4), dbSNP rs2102903553, ClinGen allele CA342828626.

ClinVar aggregate classification (germline): Uncertain significance (1 of 4 stars; one submission).

Conditions:
Charcot-Marie-Tooth disease type 2. Also called: Charcot-Marie-Tooth type 2. Identifiers: Orphanet 64746, MedGen C0270914, MONDO:0018993.

Submission:

Labcorp Genetics (formerly Invitae), Labcorp
Classification: Uncertain significance for Charcot-Marie-Tooth disease type 2. Last evaluated: 2022-04-30. Review status: criteria provided, single submitter. Criteria: Invitae Variant Classification Sherloc (09022015). Collection method: clinical testing. Allele origin: germline.
Comment: In summary, the available evidence is currently insufficient to determine the role of this variant in disease. Therefore, it has been classified as a Variant of Uncertain Significance. Algorithms developed to predict the effect of missense changes on protein structure and function output the following: SIFT: "Deleterious"; PolyPhen-2: "Probably Damaging"; Align-GVGD: "Class C0". The asparagine amino acid residue is found in multiple mammalian species, which suggests that this missense change does not adversely affect protein function. This variant has not been reported in the literature in individuals affected with LMNA-related conditions. This variant is not present in population databases (gnomAD no frequency). This sequence change replaces serine, which is neutral and polar, with asparagine, which is neutral and polar, at codon 662 of the LMNA protein (p.Ser662Asn).